The following is an entry in ClinVar:

NM_001164508.2(NEB):c.1111C>T (p.Gln371Ter)

Gene: NEB (nebulin; minus strand). Cytogenetic location: 2q23.3.
Variant type: single nucleotide variant.
Coding change: c.1111C>T on transcript NM_001164508.2 (MANE Select); coding-DNA position 1111, C replaced by T.
Protein change: p.Gln371Ter; replaces glutamine 371 with a stop codon.
Molecular consequence: nonsense.
Genome position (GRCh38, 1-based): chr2:151,706,922, G>A on the plus strand (C>T on the coding strand, the complement: NEB is on the minus strand). VCF-style: chr2-151706922-G-A. GRCh37 (hg19) VCF-style: chr2-152563436-G-A.
Other names: c.1111C>T, p.Gln371Ter (NM_001164507.2, NM_001271208.2, NM_004543.5); short protein forms Q371*.
Identifiers: ClinVar variation 2715178 (VCV002715178.3), dbSNP rs2552273388, ClinGen allele CA348826142.

ClinVar aggregate classification (germline): Pathogenic (1 of 4 stars; one submission).

Conditions:
Nemaline myopathy 2 (NEM2). Also called: Nemaline myopathy 2, autosomal recessive. Identifiers: MedGen C1850569, MONDO:0009725, OMIM 256030.

Allele frequency attached by ClinVar (database versions not stated): gnomAD exomes below 0.00001.

Submission:

Labcorp Genetics (formerly Invitae), Labcorp
Classification: Pathogenic for Nemaline myopathy 2. Last evaluated: 2023-06-24. Review status: criteria provided, single submitter. Criteria: Invitae Variant Classification Sherloc (09022015). Collection method: clinical testing. Allele origin: germline.
Comment: This variant is not present in population databases (gnomAD no frequency). This variant has not been reported in the literature in individuals affected with NEB-related conditions. For these reasons, this variant has been classified as Pathogenic. This sequence change creates a premature translational stop signal (p.Gln371*) in the NEB gene. It is expected to result in an absent or disrupted protein product. Loss-of-function variants in NEB are known to be pathogenic (PMID: 25205138).

Literature cited by the submitters: PubMed 25205138.